The following is an entry in ClinVar:

ClinVar aggregate classification (germline): Uncertain significance (1 of 4 stars; one submission).

Submission:

Greenwood Genetic Center Diagnostic Laboratories, Greenwood Genetic Center
Classification: Uncertain significance. Last evaluated: 2024-07-11. Review status: criteria provided, single submitter. Criteria: ACMG Guidelines, 2015. Collection method: clinical testing. Allele origin: germline. Affected: yes.
Comment: PM2, BP7

NM_001374828.1(ARID1B):c.871C>T (p.Leu291=)

Genes: ARID1B (AT-rich interaction domain 1B; plus strand), LOC129997525 (ATAC-STARR-seq lymphoblastoid silent region 17712; plus strand). Cytogenetic location: 6q25.3.
Variant type: single nucleotide variant.
Coding change: c.871C>T on transcript NM_001374828.1 (MANE Select); coding-DNA position 871, C replaced by T.
Protein change: p.Leu291=; no amino-acid change (leucine 291 retained).
Molecular consequence: synonymous variant.
Genome position (GRCh38, 1-based): chr6:156,778,551, C>T. VCF-style: chr6-156778551-C-T. GRCh37 (hg19) VCF-style: chr6-157099685-C-T.
Other names: c.871C>T, p.Leu291= (NM_001371656.1, NM_001374820.1, NM_017519.3).
Identifiers: ClinVar variation 3765793 (VCV003765793.1).